The following is an entry in ClinVar:

ClinVar aggregate classification (germline): Uncertain significance (1 of 4 stars; one submission).

Conditions:
Inborn genetic diseases. Identifiers: MedGen C0950123, MeSH D030342.

gnomAD v4.1: 1 of 1,614,204 alleles (0.000062%); highest among the groups gnomAD compares: African/African-American, 0.0013%; no homozygotes.

Submission:

Ambry Genetics
Classification: Uncertain significance for Inborn genetic diseases. Last evaluated: 2020-12-28. Review status: criteria provided, single submitter. Criteria: Ambry Variant Classification Scheme 2023. Collection method: clinical testing. Allele origin: germline.
Comment: The c.8442C>A (p.F2814L) alteration is located in exon 56 (coding exon 55) of the TRRAP gene. This alteration results from a C to A substitution at nucleotide position 8442, causing the phenylalanine (F) at amino acid position 2814 to be replaced by a leucine (L). The p.F2814L alteration is predicted to be tolerated by in silico analysis. Based on insufficient or conflicting evidence, the clinical significance of this alteration remains unclear.

NM_001375524.1(TRRAP):c.8463C>A (p.Phe2821Leu)

Gene: TRRAP (transformation/transcription domain associated protein; plus strand). Cytogenetic location: 7q22.1.
Variant type: single nucleotide variant.
Coding change: c.8463C>A on transcript NM_001375524.1 (MANE Select); coding-DNA position 8463, C replaced by A.
Protein change: p.Phe2821Leu; replaces phenylalanine 2821 with leucine.
Molecular consequence: missense variant.
Genome position (GRCh38, 1-based): chr7:98,978,288, C>A. VCF-style: chr7-98978288-C-A. GRCh37 (hg19) VCF-style: chr7-98575911-C-A.
Other names: c.8442C>A, p.Phe2814Leu (NM_001244580.2); c.8388C>A, p.Phe2796Leu (NM_003496.4); short protein forms F2821L, F2796L, F2814L.
Identifiers: ClinVar variation 2228468 (VCV002228468.2), dbSNP rs1158456539, ClinGen allele CA368306587.